The following is an entry in ClinVar:

NM_014112.5(TRPS1):c.2251G>C (p.Glu751Gln)

Gene: TRPS1 (transcriptional repressor GATA binding 1; minus strand). Cytogenetic location: 8q23.3.
Variant type: single nucleotide variant.
Coding change: c.2251G>C on transcript NM_014112.5 (MANE Select); coding-DNA position 2251, G replaced by C.
Protein change: p.Glu751Gln; replaces glutamic acid 751 with glutamine.
Molecular consequence: missense variant.
Genome position (GRCh38, 1-based): chr8:115,587,450, C>G on the plus strand (G>C on the coding strand, the complement: TRPS1 is on the minus strand). VCF-style: chr8-115587450-C-G. GRCh37 (hg19) VCF-style: chr8-116599677-C-G.
Other names: c.2224G>C, p.Glu742Gln (NM_001282902.3); c.2230G>C, p.Glu744Gln (NM_001282903.3); c.2212G>C, p.Glu738Gln (NM_001330599.2); short protein forms E744Q, E738Q, E742Q, E751Q.
Identifiers: ClinVar variation 1408215 (VCV001408215.8), dbSNP rs1207875402, ClinGen allele CA372065532.

ClinVar aggregate classification (germline): Uncertain significance (1 of 4 stars; one submission).

Conditions:
Trichorhinophalangeal syndrome, type III (TRPS3). Also called: SUGIO-KAJII SYNDROME. Identifiers: Orphanet 77258, MedGen C1860823, OMIM 190351, MONDO:0008597.
Trichorhinophalangeal dysplasia type I (TRPS1). Also called: TRPS I; TRICHORHINOPHALANGEAL SYNDROME, TYPE I. Identifiers: Orphanet 77258, MedGen C0432233, MONDO:0008596, OMIM 190350.

Allele frequency attached by ClinVar (database versions not stated): gnomAD exomes below 0.00001.
gnomAD v4.1: 5 of 1,614,172 alleles (0.00031%); highest among the groups gnomAD compares: East Asian, 0.0022%; no homozygotes.

Submission:

Labcorp Genetics (formerly Invitae), Labcorp
Classification: Uncertain significance for Trichorhinophalangeal syndrome, type III; Trichorhinophalangeal dysplasia type I. Last evaluated: 2021-06-01. Review status: criteria provided, single submitter. Criteria: Invitae Variant Classification Sherloc (09022015). Collection method: clinical testing. Allele origin: germline.
Comment: In summary, the available evidence is currently insufficient to determine the role of this variant in disease. Therefore, it has been classified as a Variant of Uncertain Significance. This sequence change replaces glutamic acid with glutamine at codon 751 of the TRPS1 protein (p.Glu751Gln). The glutamic acid residue is highly conserved and there is a small physicochemical difference between glutamic acid and glutamine. This variant is not present in population databases (ExAC no frequency). This variant has not been reported in the literature in individuals with TRPS1-related conditions. Algorithms developed to predict the effect of missense changes on protein structure and function are either unavailable or do not agree on the potential impact of this missense change (SIFT: "Deleterious"; PolyPhen-2: "Possibly Damaging"; Align-GVGD: "Class C0").